The following is an entry in ClinVar:

NM_018896.5(CACNA1G):c.6772_6774delinsTCC (p.Pro2258Ser)

Gene: CACNA1G (calcium voltage-gated channel subunit alpha1 G; plus strand). Cytogenetic location: 17q21.33.
Variant type: Indel.
Coding change: c.6772_6774delinsTCC on transcript NM_018896.5 (MANE Select); coding-DNA positions 6772 to 6774, CCT replaced by TCC.
Protein change: p.Pro2258Ser; replaces proline 2258 with serine.
Molecular consequence: missense variant. On other transcripts: non-coding transcript variant (5).
Genome position (GRCh38, 1-based): chr17:50,626,389-50,626,391, CCT replaced by TCC. VCF-style: chr17-50626389-CCT-TCC. GRCh37 (hg19) VCF-style: chr17-48703750-CCT-TCC.
Other names: c.6583_6585delinsTCC, p.Pro2195Ser (NM_001256324.2); c.6514_6516delinsTCC, p.Pro2172Ser (NM_001256325.2); c.6502_6504delinsTCC, p.Pro2168Ser (NM_001256326.2); c.6472_6474delinsTCC, p.Pro2158Ser (NM_001256327.2); c.6418_6420delinsTCC, p.Pro2140Ser (NM_001256328.2); c.6391_6393delinsTCC, p.Pro2131Ser (NM_001256329.2, NM_198387.3); c.6358_6360delinsTCC, p.Pro2120Ser (NM_001256330.2); c.6337_6339delinsTCC, p.Pro2113Ser (NM_001256331.2); and 18 more; short protein forms P2052S, P2075S, P2086S, P2108S, P2113S, P2120S, P2124S, P2127S.
Identifiers: ClinVar variation 2578079 (VCV002578079.1), dbSNP rs2545920135, ClinGen allele CA2580617688.

ClinVar aggregate classification (germline): Uncertain significance (1 of 4 stars; one submission).

Submission:

GeneDx
Classification: Uncertain significance. Last evaluated: 2023-03-02. Review status: criteria provided, single submitter. Criteria: GeneDx Variant Classification Process June 2021. Collection method: clinical testing. Allele origin: germline. Affected: yes.
Comment: Not observed at significant frequency in large population cohorts (gnomAD); In silico analysis supports a deleterious effect on protein structure/function; Has not been previously published as pathogenic or benign to our knowledge